The following is an entry in ClinVar:

NM_152641.4(ARID2):c.1498+5G>A

Gene: ARID2 (AT-rich interaction domain 2; plus strand). Cytogenetic location: 12q12.
Variant type: single nucleotide variant.
Coding change: c.1498+5G>A on transcript NM_152641.4 (MANE Select); 5 bases into the intron after coding-DNA position 1498, G replaced by A.
Molecular consequence: intron variant.
Genome position (GRCh38, 1-based): chr12:45,839,501, G>A. VCF-style: chr12-45839501-G-A. GRCh37 (hg19) VCF-style: chr12-46233284-G-A.
Other names: c.1498+5G>A (NM_001347839.2).
Identifiers: ClinVar variation 2581866 (VCV002581866.1), dbSNP rs2138137803, ClinGen allele CA2582342499.

ClinVar aggregate classification (germline): Uncertain significance (1 of 4 stars; one submission).

Allele frequency attached by ClinVar (database versions not stated): gnomAD exomes below 0.00001.
gnomAD v4.1: 1 of 1,605,156 alleles (0.000062%); highest among the groups gnomAD compares: Non-Finnish European, 0.000085%; no homozygotes.

Submission:

GeneDx
Classification: Uncertain significance. Last evaluated: 2023-03-31. Review status: criteria provided, single submitter. Criteria: GeneDx Variant Classification Process June 2021. Collection method: clinical testing. Allele origin: germline. Affected: yes.
Comment: Not observed at significant frequency in large population cohorts (gnomAD); Has not been previously published as pathogenic or benign to our knowledge; In silico analysis is inconclusive as to whether the variant alters gene splicing. In the absence of RNA/functional studies, the actual effect of this sequence change is unknown.